The following is an entry in ClinVar:

NM_000081.4(LYST):c.7576C>T (p.Leu2526Phe)

Gene: LYST (lysosomal trafficking regulator; minus strand). Cytogenetic location: 1q42.3.
Variant type: single nucleotide variant.
Coding change: c.7576C>T on transcript NM_000081.4 (MANE Select); coding-DNA position 7576, C replaced by T.
Protein change: p.Leu2526Phe; replaces leucine 2526 with phenylalanine.
Molecular consequence: missense variant.
Genome position (GRCh38, 1-based): chr1:235,752,056, G>A on the plus strand (C>T on the coding strand, the complement: LYST is on the minus strand). VCF-style: chr1-235752056-G-A. GRCh37 (hg19) VCF-style: chr1-235915356-G-A.
Other names: c.7576C>T, p.Leu2526Phe (NM_001301365.1); c.7576C>T (NM_000081.2); short protein forms L2526F.
Identifiers: ClinVar variation 645657 (VCV000645657.6), dbSNP rs549823254, ClinGen allele CA1466107.

ClinVar aggregate classification (germline): Uncertain significance. Review status: criteria provided, multiple submitters, no conflicts (2 of 4 stars). 3 submissions from 3 submitters: Uncertain significance (3). Last evaluated 2025-12-03.

Conditions:
Inborn genetic diseases. Identifiers: MedGen C0950123, MeSH D030342.
Chédiak-Higashi syndrome (CHS). Also called: Chediak-Higashi Syndrome. Identifiers: Orphanet 167, MedGen C0007965, MONDO:0008963, OMIM 214500.

Allele frequency attached by ClinVar (database versions not stated): gnomAD 0.00004; 1000 Genomes Project 0.00060; gnomAD exomes 0.00006; ExAC 0.00024; 1000 Genomes Project 30x 0.00047.
gnomAD v4.1: 95 of 1,609,806 alleles (0.0059%); highest among the groups gnomAD compares: South Asian, 0.099%; no homozygotes.

Submissions (3):

Labcorp Genetics (formerly Invitae), Labcorp
Classification: Uncertain significance for Chédiak-Higashi syndrome. Last evaluated: 2025-12-03. Review status: criteria provided, single submitter. Criteria: Invitae Variant Classification Sherloc (09022015). Collection method: clinical testing. Allele origin: germline.
Comment: This sequence change replaces leucine, which is neutral and non-polar, with phenylalanine, which is neutral and non-polar, at codon 2526 of the LYST protein (p.Leu2526Phe). This variant is present in population databases (rs549823254, gnomAD 0.1%). This variant has not been reported in the literature in individuals affected with LYST-related conditions. ClinVar contains an entry for this variant (Variation ID: 645657). Invitae Evidence Modeling of protein sequence and biophysical properties (such as structural, functional, and spatial information, amino acid conservation, physicochemical variation, residue mobility, and thermodynamic stability) indicates that this missense variant is not expected to disrupt LYST protein function with a negative predictive value of 80%. In summary, the available evidence is currently insufficient to determine the role of this variant in disease. Therefore, it has been classified as a Variant of Uncertain Significance.

Ambry Genetics
Classification: Uncertain significance for Inborn genetic diseases. Last evaluated: 2025-08-21. Review status: criteria provided, single submitter. Criteria: Ambry Variant Classification Scheme 2023. Collection method: clinical testing. Allele origin: germline.

Revvity Omics, Revvity
Classification: Uncertain significance for Chédiak-Higashi syndrome. Last evaluated: 2023-10-17. Review status: criteria provided, single submitter. Criteria: ACMG Guidelines, 2015. Collection method: clinical testing. Allele origin: germline.